The following is an entry in ClinVar:

NM_000089.4(COL1A2):c.2687C>T (p.Pro896Leu)

Gene: COL1A2 (collagen type I alpha 2 chain; plus strand). Cytogenetic location: 7q21.3.
Variant type: single nucleotide variant.
Coding change: c.2687C>T on transcript NM_000089.4 (MANE Select); coding-DNA position 2687, C replaced by T.
Protein change: p.Pro896Leu; replaces proline 896 with leucine.
Molecular consequence: missense variant.
Genome position (GRCh38, 1-based): chr7:94,425,130, C>T. VCF-style: chr7-94425130-C-T. GRCh37 (hg19) VCF-style: chr7-94054442-C-T.
Other names: p.Pro896Leu; short protein forms P896L.
Identifiers: ClinVar variation 908995 (VCV000908995.22), dbSNP rs202068380, ClinGen allele CA4347535.

ClinVar aggregate classification (germline): Conflicting classifications of pathogenicity. Review status: criteria provided, conflicting classifications (1 of 4 stars). 8 submissions from 7 submitters: Uncertain significance (6); Likely benign (2). Last evaluated 2026-01-13.

Conditions:
Osteogenesis imperfecta (OI). Identifiers: Orphanet 666, MedGen C0029434, MeSH D010013, MONDO:0019019.
Ehlers-Danlos syndrome, arthrochalasia type, 2. Also called: EHLERS-DANLOS SYNDROME, TYPE VIIB, AUTOSOMAL DOMINANT. Identifiers: MedGen CN293783, MONDO:0040501, OMIM 617821.
Osteogenesis imperfecta type I (OI1). Also called: Lobstein's Disease; OI, TYPE I; OSTEOGENESIS IMPERFECTA TARDA; OSTEOGENESIS IMPERFECTA WITH BLUE SCLERAE; Osteogenesis imperfecta type 1; Lobstein disease. Identifiers: Orphanet 216796, Orphanet 666, MedGen C0023931, MONDO:0008146, OMIM 166200. Disease mechanism: loss of function.
Ehlers-Danlos syndrome, classic type, 1 (EDSCL1). Also called: Ehlers-Danlos syndrome, type 1; EHLERS-DANLOS SYNDROME, GRAVIS TYPE; EHLERS-DANLOS SYNDROME, SEVERE CLASSIC TYPE; EDS I; Ehlers-Danlos Syndrome, Classic Type, COL5A1-Related. Identifiers: MedGen C0268335, MONDO:0019567, OMIM 130000.
Cardiovascular phenotype. Identifiers: MedGen CN230736.

Allele frequency attached by ClinVar (database versions not stated): TOPMed 0.00003; gnomAD exomes 0.00011 and 0.00006; ExAC 0.00012.
gnomAD v4.1: 103 of 1,613,952 alleles (0.0064%); highest among the groups gnomAD compares: Non-Finnish European, 0.0054%; no homozygotes.

Submissions (8):

Labcorp Genetics (formerly Invitae), Labcorp
Classification: Likely benign for Osteogenesis imperfecta type I; Ehlers-Danlos syndrome, classic type, 1. Last evaluated: 2026-01-13. Review status: criteria provided, single submitter. Criteria: Invitae Variant Classification Sherloc (09022015). Collection method: clinical testing. Allele origin: germline.

Mayo Clinic Laboratories, Mayo Clinic
Classification: Uncertain significance. Last evaluated: 2025-07-10. Review status: criteria provided, single submitter. Criteria: ACMG Guidelines, 2015. Collection method: clinical testing. Allele origin: germline. Observed: 1 variant allele.
Comment: BS1

Ambry Genetics
Classification: Uncertain significance for Cardiovascular phenotype. Last evaluated: 2025-03-26. Review status: criteria provided, single submitter. Criteria: Ambry Variant Classification Scheme 2023. Collection method: clinical testing. Allele origin: germline.
Comment: The p.P896L variant (also known as c.2687C>T), located in coding exon 42 of the COL1A2 gene, results from a C to T substitution at nucleotide position 2687. The proline at codon 896 is replaced by leucine, an amino acid with similar properties. This variant was reported in individual(s) in an osteogenesis imperfecta (OI) cohort (Canter J et al. J Pediatr Genet, 2019 Jun;8:63-68). This amino acid position is not well conserved in available vertebrate species. In addition, the in silico prediction for this alteration is inconclusive. Based on the available evidence, the clinical significance of this variant remains unclear.

Women's Health and Genetics/Laboratory Corporation of America, LabCorp
Classification: Uncertain significance. Last evaluated: 2025-03-05. Review status: criteria provided, single submitter. Criteria: LabCorp Variant Classification Summary - May 2015. Collection method: clinical testing. Allele origin: germline.
Comment: Variant summary: COL1A2 c.2687C>T (p.Pro896Leu) results in a non-conservative amino acid change in the encoded protein sequence. Three of five in-silico tools predict a damaging effect of the variant on protein function. The variant allele was found at a frequency of 0.00011 in 251328 control chromosomes. This frequency is not significantly higher than estimated for a pathogenic variant in COL1A2 causing Ehlers-Danlos syndrome, cardiac valvular type (0.00011 vs 0.0011), allowing no conclusion about variant significance. c.2687C>T has been reported in the literature in at least one individual with symptoms consistent with Ehlers-Danlos syndrome (e.g., Nikolaeva_2022). These data do not allow any conclusion about variant significance. To our knowledge, no experimental evidence demonstrating an impact on protein function has been reported. ClinVar contains an entry for this variant (Variation ID: 908995). Based on the evidence outlined above, the variant was classified as uncertain significance.

ARUP Laboratories, Molecular Genetics and Genomics, ARUP Laboratories
Classification: Uncertain significance. Last evaluated: 2024-07-01. Review status: criteria provided, single submitter. Criteria: ARUP Molecular Germline Variant Investigation Process 2024. Collection method: clinical testing. Allele origin: germline.
Comment: The COL1A2 c.2687C>T; p.Pro896Leu variant (rs202068380), to our knowledge, is not reported in the medical literature but is reported in ClinVar (Variation ID: 908995). This variant is found in the general population with an overall allele frequency of 0.02% (44/282,730 alleles) in the Genome Aggregation Database (v2.1.1). Computational analyses are uncertain whether this variant is neutral or deleterious (REVEL: 0.53). Due to limited information, the clinical significance of this variant is uncertain at this time.

GeneDx
Classification: Uncertain significance. Last evaluated: 2024-05-05. Review status: criteria provided, single submitter. Criteria: GeneDx Variant Classification Process June 2021. Collection method: clinical testing. Allele origin: germline. Affected: yes.
Comment: Has not been previously published as pathogenic or benign to our knowledge; In silico analysis supports that this missense variant has a deleterious effect on protein structure/function; Occurs in the triple helical domain at the X position in the canonical Gly-X-Y repeat; although this variant may have an effect on normal protein folding and function, missense substitution at the X position is not a common mechanism of disease (HGMD)

Illumina Laboratory Services, Illumina
Classification: Uncertain significance for Osteogenesis imperfecta. Last evaluated: 2018-01-13. Review status: criteria provided, single submitter. Criteria: ICSL Variant Classification Criteria 13 December 2019. Collection method: clinical testing. Allele origin: germline.

Illumina Laboratory Services, Illumina
Classification: Likely benign for Ehlers-Danlos syndrome, arthrochalasia type, 2. Last evaluated: 2018-01-13. Review status: criteria provided, single submitter. Criteria: ICSL Variant Classification Criteria 13 December 2019. Collection method: clinical testing. Allele origin: germline.
Comment: This variant was observed in the ICSL laboratory as part of a predisposition screen in an ostensibly healthy population. It had not been previously curated by ICSL or reported in the Human Gene Mutation Database (HGMD: prior to June 1st, 2018), and was therefore a candidate for classification through an automated scoring system. Utilizing variant allele frequency, disease prevalence and penetrance estimates, and inheritance mode, an automated score was calculated to assess if this variant is too frequent to cause the disease. Based on the score and internal cut-off values, a variant classified as likely benign is not then subjected to further curation. The score for this variant resulted in a classification of likely benign for this disease.

Literature cited by the submitters: PubMed 31061748 (cited by Ambry Genetics).